The following is an entry in ClinVar:

NM_004369.4(COL6A3):c.7669-35C>T

Gene: COL6A3 (collagen type VI alpha 3 chain; minus strand). Cytogenetic location: 2q37.3.
Variant type: single nucleotide variant.
Coding change: c.7669-35C>T on transcript NM_004369.4 (MANE Select); 35 bases into the intron before coding-DNA position 7669, C replaced by T.
Molecular consequence: intron variant.
Genome position (GRCh38, 1-based): chr2:237,342,196, G>A on the plus strand (C>T on the coding strand, the complement: COL6A3 is on the minus strand). VCF-style: chr2-237342196-G-A. GRCh37 (hg19) VCF-style: chr2-238250839-G-A.
Other names: c.5848-35C>T (NM_057166.5); c.7051-35C>T (NM_057167.4).
Identifiers: ClinVar variation 94993 (VCV000094993.7), dbSNP rs59232721, ClinGen allele CA148043.

ClinVar aggregate classification (germline): Benign. Review status: criteria provided, multiple submitters, no conflicts (2 of 4 stars). 4 submissions from 4 submitters: Benign (4). Last evaluated 2018-06-19.

Allele frequency attached by ClinVar (database versions not stated): gnomAD 0.06593 and 0.06612; 1000 Genomes Project 30x 0.03748; 1000 Genomes Project 0.03874; TOPMed 0.06512; gnomAD exomes 0.06724 and 0.08579; ExAC 0.07356; ESP Exome Variant Server 0.08027.
gnomAD v4.1: 128,607 of 1,531,106 alleles (8.4%); highest among the groups gnomAD compares: Non-Finnish European, 9.4%; 5,950 homozygotes.

Submissions (4):

GeneDx
Classification: Benign. Last evaluated: 2018-06-19. Review status: criteria provided, single submitter. Criteria: GeneDx Variant Classification (06012015). Collection method: clinical testing. Allele origin: germline. Affected: yes.
Comment: This variant is considered likely benign or benign based on one or more of the following criteria: it is a conservative change, it occurs at a poorly conserved position in the protein, it is predicted to be benign by multiple in silico algorithms, and/or has population frequency not consistent with disease.

Eurofins Ntd Llc (ga)
Classification: Benign. Last evaluated: 2012-11-05. Review status: criteria provided, single submitter. Criteria: EGL Classification Definitions 2015. Collection method: clinical testing. Allele origin: germline. Observed: 6 variant alleles, 4 heterozygotes, 2 homozygotes.

Breakthrough Genomics
Classification: Benign. Review status: criteria provided, single submitter. Criteria: ACMG Guidelines, 2015. Collection method: not provided. Allele origin: germline. Inheritance: Autosomal recessive inheritance. Affected: yes.

PreventionGenetics, part of Exact Sciences
Classification: Benign. Review status: criteria provided, single submitter. Criteria: ACMG Guidelines, 2015. Collection method: clinical testing. Allele origin: germline.